The following is an entry in ClinVar:

NM_005188.4(CBL):c.2251+6T>A

Gene: CBL (Cbl proto-oncogene; plus strand). Cytogenetic location: 11q23.3.
Variant type: single nucleotide variant.
Coding change: c.2251+6T>A on transcript NM_005188.4 (MANE Select); 6 bases into the intron after coding-DNA position 2251, T replaced by A.
Molecular consequence: intron variant.
Genome position (GRCh38, 1-based): chr11:119,297,487, T>A. VCF-style: chr11-119297487-T-A. GRCh37 (hg19) VCF-style: chr11-119168197-T-A.
Identifiers: ClinVar variation 2010209 (VCV002010209.4), dbSNP rs1950072412, ClinGen allele CA2003887239.

ClinVar aggregate classification (germline): Uncertain significance (1 of 4 stars; one submission).

Conditions:
RASopathy. Also called: rasopathies; Noonan spectrum disorder. Identifiers: Orphanet 536391, MedGen C5555857, MONDO:0021060.

Allele frequency attached by ClinVar (database versions not stated): TOPMed below 0.00001.

Submission:

Labcorp Genetics (formerly Invitae), Labcorp
Classification: Uncertain significance for RASopathy. Last evaluated: 2022-06-24. Review status: criteria provided, single submitter. Criteria: Invitae Variant Classification Sherloc (09022015). Collection method: clinical testing. Allele origin: germline.
Comment: Variants that disrupt the consensus splice site are a relatively common cause of aberrant splicing (PMID: 17576681, 9536098). Algorithms developed to predict the effect of sequence changes on RNA splicing suggest that this variant is not likely to affect RNA splicing. In summary, the available evidence is currently insufficient to determine the role of this variant in disease. Therefore, it has been classified as a Variant of Uncertain Significance. This variant has not been reported in the literature in individuals affected with CBL-related conditions. This variant is not present in population databases (gnomAD no frequency). This sequence change falls in intron 14 of the CBL gene. It does not directly change the encoded amino acid sequence of the CBL protein. It affects a nucleotide within the consensus splice site.

Literature cited by the submitters: PubMed 17576681; PubMed 9536098.